The following is an entry in ClinVar:

NM_001754.5(RUNX1):c.1306T>G (p.Ser436Ala)

Gene: RUNX1 (RUNX family transcription factor 1; minus strand). Cytogenetic location: 21q22.12.
Variant type: single nucleotide variant.
Coding change: c.1306T>G on transcript NM_001754.5 (MANE Select); coding-DNA position 1306, T replaced by G.
Protein change: p.Ser436Ala; replaces serine 436 with alanine.
Molecular consequence: missense variant.
Genome position (GRCh38, 1-based): chr21:34,792,272, A>C on the plus strand (T>G on the coding strand, the complement: RUNX1 is on the minus strand). VCF-style: chr21-34792272-A-C. GRCh37 (hg19) VCF-style: chr21-36164569-A-C.
Other names: NM_001754.5(RUNX1):c.1306T>G; p.Ser436Ala; c.1225T>G, p.Ser409Ala (NM_001001890.3); short protein forms S436A, S409A.
Identifiers: ClinVar variation 2695627 (VCV002695627.4), dbSNP rs2145873622, ClinGen allele CA410147431.

ClinVar aggregate classification (germline): Uncertain significance. Review status: reviewed by expert panel (3 of 4 stars). 2 submissions from 2 submitters: Uncertain significance (1). 1 of the submissions does not count toward it. Last evaluated 2024-09-12.

Conditions:
Hereditary thrombocytopenia and hematological cancer predisposition syndrome associated with RUNX1. Also called: Familial Platelet Disorder with Propensity to Acute Myelogenous Leukemia; Familial thrombocytopenia with propensity to acute myelogenous leukemia; PLATELET DISORDER, ASPIRIN-LIKE; RUNX1 Familial Platelet Disorder with Associated Myeloid Malignancies. Identifiers: Orphanet 71290, MedGen C1832388, MeSH C563324, MONDO:0100083, OMIM 601399.
Hereditary thrombocytopenia and hematologic cancer predisposition syndrome. Identifiers: Orphanet 71290, MedGen CN281654, MONDO:0011071.

Submissions (2):

ClinGen Myeloid Malignancy Variant Curation Expert Panel
Classification: Uncertain significance for Hereditary thrombocytopenia and hematologic cancer predisposition syndrome. Last evaluated: 2024-09-12. Review status: reviewed by expert panel. Criteria: ClinGen MyeloMalig ACMG Specifications v2. Collection method: curation. Allele origin: germline. Inheritance: Autosomal dominant inheritance.
Comment: NM_001754.5(RUNX1):c.1306T>G (p.Ser436Ala) is a missense variant which is absent from gnomAD v2, v3, and v4 (PM2_Supporting) and has not been reported in the literature. The computational predictor REVEL gives a score of 0.133, below the threshold of 0.50, and the splice site predictor SpliceAI indicates that the variant has no impact on splicing, providing evidence that does not predict a damaging effect on RUNX1 function (BP4). In summary, this variant meets the criteria to be classified as a variant of uncertain significance (VUS) for autosomal dominant hereditary thrombocytopenia and hematologic cancer predisposition syndrome. ACMG/AMP criteria applied, as specified by the ClinGen Myeloid Malignancy VCEP: PM2_Supporting and BP4.

Labcorp Genetics (formerly Invitae), Labcorp
Classification: Uncertain significance for Hereditary thrombocytopenia and hematological cancer predisposition syndrome associated with RUNX1. Last evaluated: 2023-11-13. Review status: criteria provided, single submitter. Criteria: Invitae Variant Classification Sherloc (09022015). Collection method: clinical testing. Allele origin: germline. Not counted in ClinVar's aggregate classification.
Comment: This sequence change replaces serine, which is neutral and polar, with alanine, which is neutral and non-polar, at codon 436 of the RUNX1 protein (p.Ser436Ala). This variant is not present in population databases (gnomAD no frequency). This variant has not been reported in the literature in individuals affected with RUNX1-related conditions. Advanced modeling of protein sequence and biophysical properties (such as structural, functional, and spatial information, amino acid conservation, physicochemical variation, residue mobility, and thermodynamic stability) performed at Invitae indicates that this missense variant is not expected to disrupt RUNX1 protein function with a negative predictive value of 80%. In summary, the available evidence is currently insufficient to determine the role of this variant in disease. Therefore, it has been classified as a Variant of Uncertain Significance.